The following is an entry in ClinVar:

ClinVar aggregate classification (germline): Uncertain significance. Review status: criteria provided, multiple submitters, no conflicts (2 of 4 stars). 2 submissions from 2 submitters: Uncertain significance (2). Last evaluated 2025-03-31.

Conditions:
Inborn genetic diseases. Identifiers: MedGen C0950123, MeSH D030342.

Allele frequency attached by ClinVar (database versions not stated): gnomAD 0.00001; TOPMed 0.00001; ExAC 0.00021.
gnomAD v4.1: 61 of 1,612,058 alleles (0.0038%); highest among the groups gnomAD compares: Non-Finnish European, 0.0046%; no homozygotes.

Submissions (2):

Labcorp Genetics (formerly Invitae), Labcorp
Classification: Uncertain significance. Last evaluated: 2025-03-31. Review status: criteria provided, single submitter. Criteria: Invitae Variant Classification Sherloc (09022015). Collection method: clinical testing. Allele origin: germline.
Comment: This sequence change replaces aspartic acid, which is acidic and polar, with asparagine, which is neutral and polar, at codon 512 of the FGFR3 protein (p.Asp512Asn). This variant also falls at the last nucleotide of exon 11, which is part of the consensus splice site for this exon. This variant is present in population databases (rs778548356, gnomAD 0.02%). This variant has not been reported in the literature in individuals affected with FGFR3-related conditions. ClinVar contains an entry for this variant (Variation ID: 2310687). An algorithm developed to predict the effect of missense changes on protein structure and function (PolyPhen-2) suggests that this variant is likely to be disruptive. Variants that disrupt the consensus splice site are a relatively common cause of aberrant splicing (PMID: 17576681, 9536098). In summary, the available evidence is currently insufficient to determine the role of this variant in disease. Therefore, it has been classified as a Variant of Uncertain Significance.

Ambry Genetics
Classification: Uncertain significance for Inborn genetic diseases. Last evaluated: 2022-10-11. Review status: criteria provided, single submitter. Criteria: Ambry Variant Classification Scheme 2023. Collection method: clinical testing. Allele origin: germline.

Literature cited by the submitters: PubMed 17576681 (cited by Labcorp Genetics (formerly Invitae), Labcorp); PubMed 9536098 (cited by Labcorp Genetics (formerly Invitae), Labcorp).

NM_000142.5(FGFR3):c.1534G>A (p.Asp512Asn)

Gene: FGFR3 (fibroblast growth factor receptor 3; plus strand). Cytogenetic location: 4p16.3.
Variant type: single nucleotide variant.
Coding change: c.1534G>A on transcript NM_000142.5 (MANE Select); coding-DNA position 1534, G replaced by A.
Protein change: p.Asp512Asn; replaces aspartic acid 512 with asparagine.
Molecular consequence: missense variant. On other transcripts: non-coding transcript variant (1).
Genome position (GRCh38, 1-based): chr4:1,805,476, G>A. VCF-style: chr4-1805476-G-A. GRCh37 (hg19) VCF-style: chr4-1807203-G-A.
Other names: c.1540G>A, p.Asp514Asn (NM_001163213.2); c.1537G>A, p.Asp513Asn (NM_001354809.2, NM_001354810.2); c.1198G>A, p.Asp400Asn (NM_022965.4); short protein forms D400N, D514N, D512N, D513N.
Identifiers: ClinVar variation 2310687 (VCV002310687.3), dbSNP rs778548356, ClinGen allele CA2810424.